The following is an entry in ClinVar:

NM_020928.2(ZSWIM6):c.3291T>C (p.Ser1097=)

Gene: ZSWIM6 (zinc finger SWIM-type containing 6; plus strand). Cytogenetic location: 5q12.1.
Variant type: single nucleotide variant.
Coding change: c.3291T>C on transcript NM_020928.2 (MANE Select); coding-DNA position 3291, T replaced by C.
Protein change: p.Ser1097=; no amino-acid change (serine 1097 retained).
Molecular consequence: synonymous variant.
Genome position (GRCh38, 1-based): chr5:61,543,960, T>C. VCF-style: chr5-61543960-T-C. GRCh37 (hg19) VCF-style: chr5-60839787-T-C.
Identifiers: ClinVar variation 1595107 (VCV001595107.23), dbSNP rs750725495, ClinGen allele CA3278520.

ClinVar aggregate classification (germline): Likely benign. Review status: criteria provided, multiple submitters, no conflicts (2 of 4 stars). 4 submissions from 4 submitters: Likely benign (4). Last evaluated 2025-10-29.

Allele frequency attached by ClinVar (database versions not stated): gnomAD exomes 0.00003; gnomAD 0.00004 and 0.00005; ExAC 0.00005; TOPMed 0.00006.
gnomAD v4.1: 55 of 1,551,706 alleles (0.0035%); highest among the groups gnomAD compares: Middle Eastern, 0.37%; 2 homozygotes.

Submissions (4):

Labcorp Genetics (formerly Invitae), Labcorp
Classification: Likely benign. Last evaluated: 2025-10-29. Review status: criteria provided, single submitter. Criteria: Invitae Variant Classification Sherloc (09022015). Collection method: clinical testing. Allele origin: germline.

Blueprint Genetics
Classification: Likely benign. Last evaluated: 2024-11-01. Review status: criteria provided, single submitter. Criteria: ACMG Guidelines, 2015. Collection method: clinical testing. Allele origin: germline.

CeGaT Center for Human Genetics Tuebingen
Classification: Likely benign. Last evaluated: 2024-10-01. Review status: criteria provided, single submitter. Criteria: CeGaT Center For Human Genetics Tuebingen Variant Classification Criteria Version 2. Collection method: clinical testing. Allele origin: germline. Affected: yes. Observed: 1 variant allele.
Comment: ZSWIM6: BP4, BP7

Breakthrough Genomics
Classification: Likely benign. Review status: criteria provided, single submitter. Criteria: ACMG Guidelines, 2015. Collection method: not provided. Allele origin: germline. Inheritance: Autosomal dominant inheritance. Affected: yes.